The following is an entry in ClinVar:

NM_024426.6(WT1):c.1046A>C (p.His349Pro)

Gene: WT1 (WT1 transcription factor; minus strand). Cytogenetic location: 11p13.
Variant type: single nucleotide variant.
Coding change: c.1046A>C on transcript NM_024426.6 (MANE Select); coding-DNA position 1046, A replaced by C.
Protein change: p.His349Pro; replaces histidine 349 with proline.
Molecular consequence: missense variant. On other transcripts: non-coding transcript variant (2), 5 prime UTR variant (1).
Genome position (GRCh38, 1-based): chr11:32,400,015, T>G on the plus strand (A>C on the coding strand, the complement: WT1 is on the minus strand). VCF-style: chr11-32400015-T-G. GRCh37 (hg19) VCF-style: chr11-32421561-T-G.
Other names: c.1046A>C, p.His349Pro (NM_001407046.1, NM_024424.5); c.923A>C, p.His308Pro (NM_001407047.1); c.995A>C, p.His332Pro (NM_001407048.1, NM_001407049.1, NM_000378.6 and 1 more transcripts); c.872A>C, p.His291Pro (NM_001407050.1); c.284A>C, p.His95Pro (NM_001407051.1); c.827A>C, p.His276Pro (NM_001429031.1, NM_001429032.1); c.776A>C, p.His259Pro (NM_001429033.1, NM_001429034.1); c.395A>C, p.His132Pro (NM_001198551.2); and 3 more; short protein forms H115P, H132P, H259P, H276P, H291P, H308P, H332P, H344P.
Identifiers: ClinVar variation 3363871 (VCV003363871.2).

ClinVar aggregate classification (germline): Uncertain significance. Review status: criteria provided, multiple submitters, no conflicts (2 of 4 stars). 2 submissions from 2 submitters: Uncertain significance (2). Last evaluated 2026-07-06.

Conditions:
Inborn genetic diseases. Identifiers: MedGen C0950123, MeSH D030342.

Submissions (2):

Ambry Genetics
Classification: Uncertain significance for Inborn genetic diseases. Last evaluated: 2026-07-06. Review status: criteria provided, single submitter. Criteria: Ambry Variant Classification Scheme 2023. Collection method: clinical testing. Allele origin: germline.
Comment: The p.H344P variant (also known as c.1031A>C), located in coding exon 6 of the WT1 gene, results from an A to C substitution at nucleotide position 1031. The histidine at codon 344 is replaced by proline, an amino acid with similar properties. This amino acid position is conserved. In addition, the in silico prediction for this alteration is inconclusive. Based on the available evidence, the clinical significance of this variant remains unclear.

GeneDx
Classification: Uncertain significance. Last evaluated: 2023-11-06. Review status: criteria provided, single submitter. Criteria: GeneDx Variant Classification Process June 2021. Collection method: clinical testing. Allele origin: germline. Affected: yes.
Comment: Not observed at significant frequency in large population cohorts (gnomAD); In silico analysis supports that this missense variant does not alter protein structure/function; Has not been previously published as pathogenic or benign to our knowledge